The following is an entry in ClinVar:

NM_001005273.3(CHD3):c.4067A>C (p.Asp1356Ala)

Gene: CHD3 (chromodomain helicase DNA binding protein 3; plus strand). Cytogenetic location: 17p13.1.
Variant type: single nucleotide variant.
Coding change: c.4067A>C on transcript NM_001005273.3 (MANE Select); coding-DNA position 4067, A replaced by C.
Protein change: p.Asp1356Ala; replaces aspartic acid 1356 with alanine.
Molecular consequence: missense variant.
Genome position (GRCh38, 1-based): chr17:7,904,614, A>C. VCF-style: chr17-7904614-A-C. GRCh37 (hg19) VCF-style: chr17-7807932-A-C.
Other names: c.4244A>C, p.Asp1415Ala (NM_001005271.3); c.4067A>C, p.Asp1356Ala (NM_005852.4); short protein forms D1356A, D1415A.
Identifiers: ClinVar variation 3144113 (VCV003144113.2), dbSNP rs2545032933, ClinGen allele CA397944655.
Genomic context (GRCh38, chr17:7,904,614, plus strand): 5'-ATCTAGGCAAGGGCAAGCGGGTTCGCAAGCAAGTTAACTACAATGATGCTGCTCAGGAAG[A>C]CCAAGGTGAGGACTGCCCCAGATGCAGGCAGTAAAGGGGGGAAGTGATGATGAGTAGGGA-3'
Protein context (NP_001005273.1, residues 1346-1366): QVNYNDAAQE[Asp1356Ala]QDNQSEYSVG

ClinVar aggregate classification (germline): Uncertain significance (1 of 4 stars; one submission).

Conditions:
Inborn genetic diseases. Identifiers: MedGen C0950123, MeSH D030342.

Submission:

Ambry Genetics
Classification: Uncertain significance for Inborn genetic diseases. Last evaluated: 2024-04-04. Review status: criteria provided, single submitter. Criteria: Ambry Variant Classification Scheme 2023. Collection method: clinical testing. Allele origin: germline.
Comment: The c.4244A>C (p.D1415A) alteration is located in exon 25 (coding exon 25) of the CHD3 gene. This alteration results from an A to C substitution at nucleotide position 4244, causing the aspartic acid (D) at amino acid position 1415 to be replaced by an alanine (A). This variant was not reported in population-based cohorts in the Genome Aggregation Database (gnomAD). This amino acid position is highly conserved in available vertebrate species. This missense alteration is located in a region that has a low rate of benign missense variation (Lek, 2016; Firth, 2009). This alteration is predicted to be deleterious by in silico analysis. Based on insufficient or conflicting evidence, the clinical significance of this alteration remains unclear.